The following is an entry in ClinVar:

ClinVar aggregate classification (germline): Uncertain significance. Review status: criteria provided, multiple submitters, no conflicts (2 of 4 stars). 3 submissions from 3 submitters: Uncertain significance (3). Last evaluated 2024-01-03.

Conditions:
Emery-Dreifuss muscular dystrophy 4, autosomal dominant (EDMD4). Also called: EMERY-DREIFUSS MUSCULAR DYSTROPHY 4 WITH VARIABLE FEATURES. Identifiers: Orphanet 261, MedGen C2751807, MONDO:0013071, OMIM 612998.
Autosomal recessive ataxia, Beauce type. Also called: SYNE1-Related Autosomal Recessive Cerebellar Ataxia; Spinocerebellar ataxia, autosomal recessive 8; ATAXIA, RECESSIVE, OF BEAUCE; SYNE1 Deficiency. Identifiers: Orphanet 88644, MedGen C1853116, MONDO:0012549, OMIM 610743.

Allele frequency attached by ClinVar (database versions not stated): gnomAD exomes 0.00002; ExAC 0.00003; gnomAD 0.00003 and 0.00004; TOPMed 0.00006.
gnomAD v4.1: 8 of 1,613,876 alleles (0.0005%); highest among the groups gnomAD compares: African/African-American, 0.011%; no homozygotes.

Submissions (3):

GeneDx
Classification: Uncertain significance. Last evaluated: 2024-01-03. Review status: criteria provided, single submitter. Criteria: GeneDx Variant Classification Process June 2021. Collection method: clinical testing. Allele origin: germline. Affected: yes.
Comment: Not observed at significant frequency in large population cohorts (gnomAD); In silico analysis supports that this missense variant has a deleterious effect on protein structure/function; Has not been previously published as pathogenic or benign to our knowledge

Revvity Omics, Revvity
Classification: Uncertain significance. Last evaluated: 2023-02-15. Review status: criteria provided, single submitter. Criteria: ACMG Guidelines, 2015. Collection method: clinical testing. Allele origin: germline.

Labcorp Genetics (formerly Invitae), Labcorp
Classification: Uncertain significance for Emery-Dreifuss muscular dystrophy 4, autosomal dominant; Autosomal recessive ataxia, Beauce type. Last evaluated: 2022-12-06. Review status: criteria provided, single submitter. Criteria: Invitae Variant Classification Sherloc (09022015). Collection method: clinical testing. Allele origin: germline.
Comment: This sequence change replaces lysine, which is basic and polar, with glutamine, which is neutral and polar, at codon 6409 of the SYNE1 protein (p.Lys6409Gln). This variant is present in population databases (rs774558249, gnomAD 0.03%). This variant has not been reported in the literature in individuals affected with SYNE1-related conditions. ClinVar contains an entry for this variant (Variation ID: 574577). Algorithms developed to predict the effect of missense changes on protein structure and function (SIFT, PolyPhen-2, Align-GVGD) all suggest that this variant is likely to be disruptive. In summary, the available evidence is currently insufficient to determine the role of this variant in disease. Therefore, it has been classified as a Variant of Uncertain Significance.

NM_182961.4(SYNE1):c.19438A>C (p.Lys6480Gln)

Gene: SYNE1 (spectrin repeat containing nuclear envelope protein 1; minus strand). Cytogenetic location: 6q25.2.
Variant type: single nucleotide variant.
Coding change: c.19438A>C on transcript NM_182961.4 (MANE Select); coding-DNA position 19438, A replaced by C.
Protein change: p.Lys6480Gln; replaces lysine 6480 with glutamine.
Molecular consequence: missense variant.
Genome position (GRCh38, 1-based): chr6:152,254,912, T>G on the plus strand (A>C on the coding strand, the complement: SYNE1 is on the minus strand). VCF-style: chr6-152254912-T-G. GRCh37 (hg19) VCF-style: chr6-152576047-T-G.
Other names: c.19225A>C, p.Lys6409Gln (NM_033071.5); short protein forms K6480Q, K6409Q.
Identifiers: ClinVar variation 574577 (VCV000574577.11), dbSNP rs774558249, ClinGen allele CA4054682.